The following is an entry in ClinVar:

ClinVar aggregate classification (germline): Likely pathogenic (1 of 4 stars; one submission).

Conditions:
Bloom syndrome (BLM). Also called: Bloom-Torre-Machacek syndrome. Identifiers: Orphanet 125, MedGen C0005859, MONDO:0008876, OMIM 210900.

Submission:

Natera, Inc.
Classification: Likely pathogenic for Bloom syndrome. Last evaluated: 2024-03-13. Review status: criteria provided, single submitter. Criteria: Natera Variant Classification Schema (03/2026). Collection method: clinical testing. Allele origin: germline.
Comment: The c.3559-1G>T variant in BLM is a canonical splice acceptor site variant predicted to affect pre-mRNA splicing, which may result in an abnormal transcript and altered protein product. This variant is expected to result in nonsense mediated decay, truncation, or a dysfunctional protein product. This variant is rare in the general population with a frequency below the threshold expected for the associated phenotype(s). Given the available evidence, this variant is classified as Likely Pathogenic.

NM_000057.4(BLM):c.3559-1G>T

Gene: BLM (BLM RecQ like helicase; plus strand). Cytogenetic location: 15q26.1.
Variant type: single nucleotide variant.
Coding change: c.3559-1G>T on transcript NM_000057.4 (MANE Select); the canonical splice acceptor site of the intron before coding-DNA position 3559, G replaced by T.
Molecular consequence: splice acceptor variant. On other transcripts: intron variant (1).
Genome position (GRCh38, 1-based): chr15:90,804,166, G>T. VCF-style: chr15-90804166-G-T. GRCh37 (hg19) VCF-style: chr15-91347396-G-T.
Other names: c.3559-1G>T (NM_001287246.2); c.2434-1G>T (NM_001287248.2); c.3359-4971G>T (NM_001287247.2).
Identifiers: ClinVar variation 4815872 (VCV004815872.1).